The following is an entry in ClinVar:

NM_001368397.1(FRMPD4):c.1264C>T (p.Arg422Cys)

Gene: FRMPD4 (FERM and PDZ domain containing 4; plus strand). Cytogenetic location: Xp22.2.
Variant type: single nucleotide variant.
Coding change: c.1264C>T on transcript NM_001368397.1 (MANE Select); coding-DNA position 1264, C replaced by T.
Protein change: p.Arg422Cys; replaces arginine 422 with cysteine.
Molecular consequence: missense variant.
Genome position (GRCh38, 1-based): chrX:12,706,892, C>T. VCF-style: chrX-12706892-C-T. GRCh37 (hg19) VCF-style: chrX-12725011-C-T.
Other names: c.1375C>T, p.Arg459Cys (NM_001368395.3, NM_001368398.3); c.1270C>T, p.Arg424Cys (NM_001368396.3); c.1255C>T, p.Arg419Cys (NM_001368399.3); c.1144C>T, p.Arg382Cys (NM_001368400.3); c.1240C>T, p.Arg414Cys (NM_001368401.1, NM_001368402.3); c.1264C>T, p.Arg422Cys (NM_014728.3); short protein forms R382C, R414C, R419C, R422C, R424C, R459C.
Identifiers: ClinVar variation 3384775 (VCV003384775.2).

ClinVar aggregate classification (germline): Uncertain significance. Review status: criteria provided, multiple submitters, no conflicts (2 of 4 stars). 2 submissions from 2 submitters: Uncertain significance (2). Last evaluated 2025-04-29.

Conditions:
Inborn genetic diseases. Identifiers: MedGen C0950123, MeSH D030342.

Submissions (2):

Ambry Genetics
Classification: Uncertain significance for Inborn genetic diseases. Last evaluated: 2025-04-29. Review status: criteria provided, single submitter. Criteria: Ambry Variant Classification Scheme 2023. Collection method: clinical testing. Allele origin: germline.

Women's Health and Genetics/Laboratory Corporation of America, LabCorp
Classification: Uncertain significance. Last evaluated: 2024-10-10. Review status: criteria provided, single submitter. Criteria: LabCorp Variant Classification Summary - May 2015. Collection method: clinical testing. Allele origin: germline.
Comment: Variant summary: FRMPD4 c.1264C>T (p.Arg422Cys) results in a non-conservative amino acid change located in the FERM domain (IPR000299) of the encoded protein sequence. Four of five in-silico tools predict a damaging effect of the variant on protein function. The variant was absent in 171674 control chromosomes. The available data on variant occurrences in the general population are insufficient to allow any conclusion about variant significance. To our knowledge, no occurrence of c.1264C>T in individuals affected with X-Linked Intellectual Disability 104 and no experimental evidence demonstrating its impact on protein function have been reported. No submitters have cited clinical-significance assessments for this variant to ClinVar. Based on the evidence outlined above, the variant was classified as uncertain significance.